The following is an entry in ClinVar:

NM_001282874.2(SMARCA1):c.1342C>T (p.Arg448Ter)

Gene: SMARCA1 (SNF2 related chromatin remodeling ATPase 1; minus strand). Cytogenetic location: Xq25.
Variant type: single nucleotide variant.
Coding change: c.1342C>T on transcript NM_001282874.2 (MANE Select); coding-DNA position 1342, C replaced by T.
Protein change: p.Arg448Ter; replaces arginine 448 with a stop codon.
Molecular consequence: nonsense.
Genome position (GRCh38, 1-based): chrX:129,498,007, G>A on the plus strand (C>T on the coding strand, the complement: SMARCA1 is on the minus strand). VCF-style: chrX-129498007-G-A. GRCh37 (hg19) VCF-style: chrX-128631984-G-A.
Other names: NC_000023.10:g.128631984G>A; c.1342C>T, p.Arg448Ter (NM_001282875.2, NM_001378261.1, NM_001378262.1 and 3 more transcripts); c.1342C>T (NM_003069.3); short protein forms R448*.
Identifiers: ClinVar variation 4469690 (VCV004469690.2).
Genomic context (GRCh38, chrX:129,498,007, plus strand): 5'-CATCAAACAGATATGGATGATTACAACACTTTCGAAGCTGCATCAGAATGTTTAAGAGTC[G>A]CATCTTGTCCATCTTGCCAGAAGAGTTTAAAACATCAATATCTTTCATCAGGATTTTTGT-3'

ClinVar aggregate classification (germline): Pathogenic (1 of 4 stars; one submission).

Submissions (5):

Ambry Genetics
Classification: Pathogenic. Last evaluated: 2026-02-05. Review status: criteria provided, single submitter. Criteria: Ambry Variant Classification Scheme 2023. Collection method: clinical testing. Allele origin: germline.
Comment: The c.1342C>T (p.R448*) alteration, located in exon 11 (coding exon 11) of the SMARCA1 gene, consists of a C to T substitution at nucleotide position 1342. This changes the amino acid from a arginine (R) to a stop codon at amino acid position 448. This variant is expected to result in loss of function by premature protein truncation or nonsense-mediated mRNA decay. This variant was not reported in population-based cohorts in the Genome Aggregation Database (gnomAD). Based on the available evidence, this alteration is classified as pathogenic.

Dr. Peter K. Rogan Lab, Western University
No classification provided (evidence only). Condition: Thyroid cancer, nonmedullary, 1. Review status: no classification provided. Collection method: in vitro. Allele origin: not applicable. Functional consequence: retained intron. Not counted in ClinVar's aggregate classification.

Dr. Peter K. Rogan Lab, Western University
No classification provided (evidence only). Condition: Thyroid cancer, nonmedullary, 1. Review status: no classification provided. Collection method: in vitro. Allele origin: not applicable. Functional consequence: retained intron. Not counted in ClinVar's aggregate classification.

Dr. Peter K. Rogan Lab, Western University
No classification provided (evidence only). Condition: Thyroid cancer, nonmedullary, 1. Review status: no classification provided. Collection method: in vitro. Allele origin: not applicable. Functional consequence: retained intron. Not counted in ClinVar's aggregate classification.

Dr. Peter K. Rogan Lab, Western University
No classification provided (evidence only). Condition: Thyroid cancer, nonmedullary, 1. Review status: no classification provided. Collection method: in vitro. Allele origin: not applicable. Functional consequence: retained intron. Not counted in ClinVar's aggregate classification.